The following is an entry in ClinVar:

ClinVar aggregate classification (germline): Uncertain significance. Review status: criteria provided, multiple submitters, no conflicts (2 of 4 stars). 2 submissions from 2 submitters: Uncertain significance (2). Last evaluated 2025-08-05.

Conditions:
Seizures, benign familial infantile, 3 (BFIS3). Also called: Familial neonatal seizures; CONVULSIONS, BENIGN FAMILIAL INFANTILE, 3. Identifiers: Orphanet 140927, Orphanet 306, MedGen C1843140, MONDO:0011904, OMIM 607745.
Developmental and epileptic encephalopathy, 11 (DEE11). Also called: Early infantile epileptic encephalopathy 11. Identifiers: Orphanet 1934, MedGen C3150987, MONDO:0013388, OMIM 613721.

Allele frequency attached by ClinVar (database versions not stated): ExAC 0.00002; gnomAD exomes 0.00001.
gnomAD v4.1: 15 of 1,614,170 alleles (0.00093%); highest among the groups gnomAD compares: Non-Finnish European, 0.0012%; no homozygotes.

Submissions (2):

GeneDx
Classification: Uncertain significance. Last evaluated: 2025-08-05. Review status: criteria provided, single submitter. Criteria: GeneDx Variant Classification Process June 2021. Collection method: clinical testing. Allele origin: germline.
Comment: Not observed at significant frequency in large population cohorts (gnomAD); In silico analysis suggests that this missense variant does not alter protein structure/function; Has not been previously published as pathogenic or benign to our knowledge; This substitution is predicted to be within the intracellular loop between the S2 and S3 transmembrane segments of the third homologous domain

Labcorp Genetics (formerly Invitae), Labcorp
Classification: Uncertain significance for Seizures, benign familial infantile, 3; Developmental and epileptic encephalopathy, 11. Last evaluated: 2022-08-21. Review status: criteria provided, single submitter. Criteria: Invitae Variant Classification Sherloc (09022015). Collection method: clinical testing. Allele origin: germline.
Comment: In summary, the available evidence is currently insufficient to determine the role of this variant in disease. Therefore, it has been classified as a Variant of Uncertain Significance. Algorithms developed to predict the effect of missense changes on protein structure and function (SIFT, PolyPhen-2, Align-GVGD) all suggest that this variant is likely to be tolerated. This variant has not been reported in the literature in individuals affected with SCN2A-related conditions. This variant is present in population databases (rs774849906, gnomAD 0.003%). This sequence change replaces valine, which is neutral and non-polar, with glutamic acid, which is acidic and polar, at codon 1268 of the SCN2A protein (p.Val1268Glu).

NM_001040142.2(SCN2A):c.3803T>A (p.Val1268Glu)

Gene: SCN2A (sodium voltage-gated channel alpha subunit 2; plus strand). Cytogenetic location: 2q24.3.
Variant type: single nucleotide variant.
Coding change: c.3803T>A on transcript NM_001040142.2 (MANE Select); coding-DNA position 3803, T replaced by A.
Protein change: p.Val1268Glu; replaces valine 1268 with glutamic acid.
Molecular consequence: missense variant.
Genome position (GRCh38, 1-based): chr2:165,370,253, T>A. VCF-style: chr2-165370253-T-A. GRCh37 (hg19) VCF-style: chr2-166226763-T-A.
Other names: c.3803T>A, p.Val1268Glu (NM_001040143.2, NM_001371246.1, NM_001371247.1 and 1 more transcripts); short protein forms V1268E.
Identifiers: ClinVar variation 1699603 (VCV001699603.8), dbSNP rs774849906, ClinGen allele CA1940174.